The following is an entry in ClinVar:

NM_000257.4(MYH7):c.4749G>T (p.Met1583Ile)

Genes: MHRT (myosin heavy chain associated RNA transcript; plus strand), MYH7 (myosin heavy chain 7; minus strand), LOC126861897 (BRD4-independent group 4 enhancer GRCh37_chr14:23884455-23885654; plus strand). Cytogenetic location: 14q11.2.
Variant type: single nucleotide variant.
Coding change: c.4749G>T on transcript NM_000257.4 (MANE Select); coding-DNA position 4749, G replaced by T.
Protein change: p.Met1583Ile; replaces methionine 1583 with isoleucine.
Molecular consequence: missense variant. On other transcripts: non-coding transcript variant (1).
Genome position (GRCh38, 1-based): chr14:23,416,208, C>A on the plus strand (G>T on the coding strand, the complement: MYH7 is on the minus strand). VCF-style: chr14-23416208-C-A. GRCh37 (hg19) VCF-style: chr14-23885417-C-A.
Other names: short protein forms M1583I.
Identifiers: ClinVar variation 921946 (VCV000921946.5), dbSNP rs1892201771, ClinGen allele CA389037713.
Genomic context (GRCh38, chr14:23,416,208, plus strand): 5'-TGCGTCCAGGGAGGTCTGCAGCGAGTCCACCACCCGCAGGTGGTTGCGCTTGGCCTGTTC[C>A]ATCTCCTCGTCCTTCTCTGCCAGCTTCCGCTCGATCTCTGCCTTGATCTGGTTGAACTCC-3'
Protein context (NP_000248.2, residues 1573-1593): ERKLAEKDEE[Met1583Ile]EQAKRNHLRV

ClinVar aggregate classification (germline): Uncertain significance (1 of 4 stars; one submission).

Conditions:
Cardiomyopathy (CMYO). Also called: Cardiomyopathies. Identifiers: Orphanet 167848, MedGen C0878544, MONDO:0004994, HP:0001638. Inheritance: Various modes of inheritance.

Submission:

Color Diagnostics, LLC DBA Color Health
Classification: Uncertain significance for Cardiomyopathy. Last evaluated: 2023-12-04. Review status: criteria provided, single submitter. Criteria: ACMG Guidelines, 2015. Collection method: clinical testing. Allele origin: germline.
Comment: This missense variant replaces methionine with isoleucine at codon 1583 of the MYH7 protein. Computational prediction tools and conservation analyses are inconclusive regarding the impact of this variant on the protein function. Computational splicing tools suggest that this variant may not impact RNA splicing. To our knowledge, functional assays have not been performed for this variant nor has this variant been reported in individuals affected with cardiovascular disorders in the literature. This variant has not been identified in the general population by the Genome Aggregation Database (gnomAD). Available evidence is insufficient to determine the role of this variant in disease conclusively. Therefore, this variant is classified as a Variant of Uncertain Significance.